The following is an entry in ClinVar:

NM_020778.5(ALPK3):c.1768A>G (p.Met590Val)

Gene: ALPK3 (alpha kinase 3; plus strand). Cytogenetic location: 15q25.3.
Variant type: single nucleotide variant.
Coding change: c.1768A>G on transcript NM_020778.5 (MANE Select); coding-DNA position 1768, A replaced by G.
Protein change: p.Met590Val; replaces methionine 590 with valine.
Molecular consequence: missense variant.
Genome position (GRCh38, 1-based): chr15:84,856,506, A>G. VCF-style: chr15-84856506-A-G. GRCh37 (hg19) VCF-style: chr15-85399737-A-G.
Other names: c.2374A>G (NM_020778.4); short protein forms M590V.
Identifiers: ClinVar variation 3689699 (VCV003689699.3).

ClinVar aggregate classification (germline): Conflicting classifications of pathogenicity. Review status: criteria provided, conflicting classifications (1 of 4 stars). 2 submissions from 2 submitters: Uncertain significance (1); Likely benign (1). Last evaluated 2026-08-17.

Conditions:
Cardiovascular phenotype. Identifiers: MedGen CN230736.

gnomAD v4.1: 1 of 1,614,198 alleles (0.000062%); highest among the groups gnomAD compares: Non-Finnish European, 0.000085%; no homozygotes.

Submissions (2):

Ambry Genetics
Classification: Likely benign for Cardiovascular phenotype. Last evaluated: 2026-08-17. Review status: criteria provided, single submitter. Criteria: Ambry Variant Classification Scheme 2023. Collection method: clinical testing. Allele origin: germline.

Labcorp Genetics (formerly Invitae), Labcorp
Classification: Uncertain significance. Last evaluated: 2024-10-16. Review status: criteria provided, single submitter. Criteria: Invitae Variant Classification Sherloc (09022015). Collection method: clinical testing. Allele origin: germline.
Comment: This sequence change replaces methionine, which is neutral and non-polar, with valine, which is neutral and non-polar, at codon 792 of the ALPK3 protein (p.Met792Val). This variant is not present in population databases (gnomAD no frequency). This variant has not been reported in the literature in individuals affected with ALPK3-related conditions. Invitae Evidence Modeling of protein sequence and biophysical properties (such as structural, functional, and spatial information, amino acid conservation, physicochemical variation, residue mobility, and thermodynamic stability) indicates that this missense variant is not expected to disrupt ALPK3 protein function with a negative predictive value of 80%. In summary, the available evidence is currently insufficient to determine the role of this variant in disease. Therefore, it has been classified as a Variant of Uncertain Significance.